The following is an entry in ClinVar:

ClinVar aggregate classification (germline): Pathogenic (1 of 4 stars; one submission).

Conditions:
Retinitis pigmentosa (RP). Identifiers: Orphanet 791, MedGen C0035334, MeSH D012174, MONDO:0019200, OMIM 268000. Inheritance: Autosomal dominant, autosomal recessive and X linked inheritance.

Submission:

Women's Health and Genetics/Laboratory Corporation of America, LabCorp
Classification: Pathogenic for Retinitis pigmentosa. Last evaluated: 2025-02-17. Review status: criteria provided, single submitter. Criteria: LabCorp Variant Classification Summary - May 2015. Collection method: clinical testing. Allele origin: germline.
Comment: Variant summary: The variant involves the deletion of exons 4-9 in the EYS gene. A presumed nomenclature of c.(-198+1_-197-1)_(1459+1_1460-1)del has been designated for the purposes of this classification. It is predicted to remove the initiation codon and result in an absence of protein or a truncation of the encoded protein due to translation initiation at a downstream site. The variant was absent in 21694 control chromosomes (gnomAD, structural variants dataset). To our knowledge, no occurrence of c.(-198+1_-197-1)_(1459+1_1460-1)del in individuals affected with Retinitis Pigmentosa and no experimental evidence demonstrating its impact on protein function have been reported. No submitters have cited clinical-significance assessments for this variant to ClinVar. Based on the evidence outlined above, the variant was classified as pathogenic.

NC_000006.11:g.(66054071_66063350)_(66205501_66205751)del

Gene: EYS (EGF-like photoreceptor maintenance factor; minus strand). Cytogenetic location: 6q12.
Variant type: Deletion.
Identifiers: ClinVar variation 3769033 (VCV003769033.1).